The following is an entry in ClinVar:

ClinVar aggregate classification (germline): Uncertain significance (1 of 4 stars; one submission).

gnomAD v4.1: 5 of 1,592,040 alleles (0.00031%); highest among the groups gnomAD compares: Non-Finnish European, 0.00034%; no homozygotes.

Submission:

Labcorp Genetics (formerly Invitae), Labcorp
Classification: Uncertain significance. Last evaluated: 2025-02-16. Review status: criteria provided, single submitter. Criteria: Invitae Variant Classification Sherloc (09022015). Collection method: clinical testing. Allele origin: germline.
Comment: This sequence change replaces glycine, which is neutral and non-polar, with serine, which is neutral and polar, at codon 1175 of the NLRP1 protein (p.Gly1175Ser). This variant is not present in population databases (gnomAD no frequency). This variant has not been reported in the literature in individuals affected with NLRP1-related conditions. An algorithm developed to predict the effect of missense changes on protein structure and function outputs the following: PolyPhen-2: "Benign". The serine amino acid residue is found in multiple mammalian species, which suggests that this missense change does not adversely affect protein function. In summary, the available evidence is currently insufficient to determine the role of this variant in disease. Therefore, it has been classified as a Variant of Uncertain Significance.

NM_033004.4(NLRP1):c.3523G>A (p.Gly1175Ser)

Gene: NLRP1 (NLR family pyrin domain containing 1; minus strand). Cytogenetic location: 17p13.2.
Variant type: single nucleotide variant.
Coding change: c.3523G>A on transcript NM_033004.4 (MANE Select); coding-DNA position 3523, G replaced by A.
Protein change: p.Gly1175Ser; replaces glycine 1175 with serine.
Molecular consequence: missense variant.
Genome position (GRCh38, 1-based): chr17:5,521,784, C>T on the plus strand (G>A on the coding strand, the complement: NLRP1 is on the minus strand). VCF-style: chr17-5521784-C-T. GRCh37 (hg19) VCF-style: chr17-5425104-C-T.
Other names: c.3535G>A, p.Gly1179Ser (NM_001033053.3); c.3523G>A, p.Gly1175Ser (NM_014922.5); c.3433G>A, p.Gly1145Ser (NM_033006.4, NM_033007.4); short protein forms G1175S, G1179S, G1145S.
Identifiers: ClinVar variation 4765620 (VCV004765620.1).
Genomic context (GRCh38, chr17:5,521,784, plus strand): 5'-CCAGGAGCATCCCCTCCTCTTTAAAGTGGGCCATTTGGAACAGGGATGTGTCCACATGGC[C>T]CCCTGTAAAAGAATGGATTGAAGAGGCACAGGTTTATTTTTATTTATTTATTTTGTTGAG-3'
Protein context (NP_127497.1, residues 1165-1185): HLPHFVALQG[Gly1175Ser]HVDTSLFQMA